The following is an entry in ClinVar:

NM_000814.6(GABRB3):c.462-7A>C

Gene: GABRB3 (gamma-aminobutyric acid type A receptor subunit beta3; minus strand). Cytogenetic location: 15q12.
Variant type: single nucleotide variant.
Coding change: c.462-7A>C on transcript NM_000814.6 (MANE Select); 7 bases into the intron before coding-DNA position 462, A replaced by C.
Molecular consequence: intron variant.
Genome position (GRCh38, 1-based): chr15:26,583,421, T>G on the plus strand (A>C on the coding strand, the complement: GABRB3 is on the minus strand). VCF-style: chr15-26583421-T-G. GRCh37 (hg19) VCF-style: chr15-26828568-T-G.
Other names: c.462-7A>C (NM_021912.5); c.207-7A>C (NM_001278631.2, NM_001191320.2); c.249-7A>C (NM_001191321.3).
Identifiers: ClinVar variation 3769056 (VCV003769056.1).
Genomic context (GRCh38, chr15:26,583,421, plus strand): 5'-TCGTCCAGGGGGTATCTCCTGAGGTCCATCATGCATGCTGCTGTCGTGGTGATTCTGAAA[T>G]ACACAGGGTGAGGGAAGATATTAAAGAAGGGCTGAGAAATGTATCAGGGAGACTCCTCTT-3'

ClinVar aggregate classification (germline): Uncertain significance (1 of 4 stars; one submission).

Submission:

Women's Health and Genetics/Laboratory Corporation of America, LabCorp
Classification: Uncertain significance. Last evaluated: 2025-02-27. Review status: criteria provided, single submitter. Criteria: LabCorp Variant Classification Summary - May 2015. Collection method: clinical testing. Allele origin: germline.
Comment: Variant summary: GABRB3 c.462-7A>C alters a conserved nucleotide located close to a canonical splice site and therefore could affect mRNA splicing, leading to a significantly altered protein sequence. Consensus agreement among computation tools predict no significant impact on normal splicing. However, these predictions have yet to be confirmed by functional studies. The variant was absent in 251350 control chromosomes. The available data on variant occurrences in the general population are insufficient to allow any conclusion about variant significance. To our knowledge, no occurrence of c.462-7A>C in individuals affected with Developmental And Epileptic Encephalopathy, 43 and no experimental evidence demonstrating its impact on protein function have been reported. No submitters have cited clinical-significance assessments for this variant to ClinVar. Based on the evidence outlined above, the variant was classified as uncertain significance.